The following is an entry in ClinVar:

ClinVar aggregate classification (germline): Benign/Likely benign. Review status: criteria provided, multiple submitters, no conflicts (2 of 4 stars). 3 submissions from 3 submitters: Benign (1); Likely benign (2). Last evaluated 2026-01-24.

Allele frequency attached by ClinVar (database versions not stated): TOPMed 0.00002; gnomAD 0.00007; gnomAD exomes 0.00016 and 0.00033; 1000 Genomes Project 30x 0.00031; ExAC 0.00037; 1000 Genomes Project 0.00040.
gnomAD v4.1: 251 of 1,601,304 alleles (0.016%); highest among the groups gnomAD compares: South Asian, 0.19%; 1 homozygote.

Submissions (3):

Labcorp Genetics (formerly Invitae), Labcorp
Classification: Benign. Last evaluated: 2026-01-24. Review status: criteria provided, single submitter. Criteria: Invitae Variant Classification Sherloc (09022015). Collection method: clinical testing. Allele origin: germline.

Blueprint Genetics
Classification: Likely benign. Last evaluated: 2024-11-04. Review status: criteria provided, single submitter. Criteria: ACMG Guidelines, 2015. Collection method: clinical testing. Allele origin: germline.

CeGaT Center for Human Genetics Tuebingen
Classification: Likely benign. Last evaluated: 2024-08-01. Review status: criteria provided, single submitter. Criteria: CeGaT Center For Human Genetics Tuebingen Variant Classification Criteria Version 2. Collection method: clinical testing. Allele origin: germline. Affected: yes. Observed: 1 variant allele.
Comment: RPSA: BP4, BP7

NM_002295.6(RPSA):c.228T>C (p.Val76=)

Gene: RPSA (ribosomal protein SA; plus strand). Cytogenetic location: 3p22.1.
Variant type: single nucleotide variant.
Coding change: c.228T>C on transcript NM_002295.6 (MANE Select); coding-DNA position 228, T replaced by C.
Protein change: p.Val76=; no amino-acid change (valine 76 retained).
Molecular consequence: synonymous variant.
Genome position (GRCh38, 1-based): chr3:39,408,700, T>C. VCF-style: chr3-39408700-T-C. GRCh37 (hg19) VCF-style: chr3-39450191-T-C.
Other names: c.228T>C, p.Val76= (NM_001304288.2).
Identifiers: ClinVar variation 1600254 (VCV001600254.25), dbSNP rs577387094, ClinGen allele CA2327725.